The following is an entry in ClinVar:

ClinVar aggregate classification (germline): Uncertain significance (1 of 4 stars; one submission).

Conditions:
Hereditary spastic paraplegia 8 (SPG8). Also called: SPASTIC PARAPLEGIA 8, AUTOSOMAL DOMINANT. Identifiers: Orphanet 100989, MedGen C1863704, MONDO:0011339, OMIM 603563.
Ritscher-Schinzel syndrome. Also called: CRANIOCEREBELLOCARDIAC DYSPLASIA. Identifiers: Orphanet 7, MedGen C0796137, MONDO:0019078.

Allele frequency attached by ClinVar (database versions not stated): gnomAD exomes below 0.00001.
gnomAD v4.1: 2 of 1,611,372 alleles (0.00012%); highest among the groups gnomAD compares: Non-Finnish European, 0.00017%; no homozygotes.

Submission:

Labcorp Genetics (formerly Invitae), Labcorp
Classification: Uncertain significance for Ritscher-Schinzel syndrome; Hereditary spastic paraplegia 8. Last evaluated: 2022-07-24. Review status: criteria provided, single submitter. Criteria: Invitae Variant Classification Sherloc (09022015). Collection method: clinical testing. Allele origin: germline.
Comment: In summary, the available evidence is currently insufficient to determine the role of this variant in disease. Therefore, it has been classified as a Variant of Uncertain Significance. Algorithms developed to predict the effect of missense changes on protein structure and function (SIFT, PolyPhen-2, Align-GVGD) all suggest that this variant is likely to be tolerated. This variant has not been reported in the literature in individuals affected with WASHC5-related conditions. This variant is not present in population databases (gnomAD no frequency). This sequence change replaces phenylalanine, which is neutral and non-polar, with leucine, which is neutral and non-polar, at codon 1150 of the WASHC5 protein (p.Phe1150Leu).

NM_014846.4(WASHC5):c.3450C>G (p.Phe1150Leu)

Gene: WASHC5 (WASH complex subunit 5; minus strand). Cytogenetic location: 8q24.13.
Variant type: single nucleotide variant.
Coding change: c.3450C>G on transcript NM_014846.4 (MANE Select); coding-DNA position 3450, C replaced by G.
Protein change: p.Phe1150Leu; replaces phenylalanine 1150 with leucine.
Molecular consequence: missense variant.
Genome position (GRCh38, 1-based): chr8:125,024,647, G>C on the plus strand (C>G on the coding strand, the complement: WASHC5 is on the minus strand). VCF-style: chr8-125024647-G-C. GRCh37 (hg19) VCF-style: chr8-126036889-G-C.
Other names: c.3006C>G, p.Phe1002Leu (NM_001330609.2); short protein forms F1002L, F1150L.
Identifiers: ClinVar variation 2016979 (VCV002016979.4), dbSNP rs2537258621, ClinGen allele CA372177975.